The following is an entry in ClinVar:

ClinVar aggregate classification (germline): Likely pathogenic (1 of 4 stars; one submission).

Conditions:
Propionic acidemia (PROP). Also called: HYPERGLYCINEMIA WITH KETOACIDOSIS AND LEUKOPENIA; KETOTIC HYPERGLYCINEMIA; GLYCINEMIA, KETOTIC. Identifiers: Orphanet 35, MedGen C0268579, MONDO:0011628, OMIM 606054, HP:0003571.

Submission:

Myriad Genetics, Inc.
Classification: Likely pathogenic for Propionic acidemia. Last evaluated: 2026-05-07. Review status: criteria provided, single submitter. Criteria: Myriad Autosomal Dominant, Autosomal Recessive and X-Linked Classification Criteria (2023). Collection method: clinical testing. Allele origin: unknown.
Comment: NM_000282.3(PCCA):c.637+2T>G is a variant in a canonical splice site classified as likely pathogenic in the context of PCCA-related propionic acidemia. c.637+2T>G has not been observed in cases with relevant disease. Relevant functional assessments of this variant are not available in the literature. c.637+2T>G has not been observed in referenced population frequency databases. In summary, NM_000282.3(PCCA):c.637+2T>G is a variant in a canonical splice site in a gene where loss of function is a known mechanism of disease and is predicted to disrupt protein function. Please note: this variant was assessed in the context of healthy population screening.

NM_000282.4(PCCA):c.637+2T>G

Gene: PCCA (propionyl-CoA carboxylase subunit alpha; plus strand). Cytogenetic location: 13q32.3.
Variant type: single nucleotide variant.
Coding change: c.637+2T>G on transcript NM_000282.4 (MANE Select); the canonical splice donor site of the intron after coding-DNA position 637, T replaced by G.
Molecular consequence: splice donor variant.
Genome position (GRCh38, 1-based): chr13:100,235,880, T>G. VCF-style: chr13-100235880-T-G. GRCh37 (hg19) VCF-style: chr13-100888134-T-G.
Other names: c.637+2T>G (NM_001178004.2, NM_001352605.2, NM_001352606.2 and 1 more transcripts); c.-230+2T>G (NM_001352610.2, NM_001352611.2, NM_001352612.2); c.559+2T>G (NM_001127692.3, NM_001352607.2, NM_001352608.2).
Identifiers: ClinVar variation 5004643 (VCV005004643.1).